The following is an entry in ClinVar:

NM_000787.4(DBH):c.1677G>A (p.Ala559=)

Genes: DBH (dopamine beta-hydroxylase; plus strand), DBH-AS1 (DBH antisense RNA 1; minus strand). Cytogenetic location: 9q34.2.
Variant type: single nucleotide variant.
Coding change: c.1677G>A on transcript NM_000787.4 (MANE Select); coding-DNA position 1677, G replaced by A.
Protein change: p.Ala559=; no amino-acid change (alanine 559 retained).
Molecular consequence: synonymous variant. On other transcripts: non-coding transcript variant (1).
Genome position (GRCh38, 1-based): chr9:133,657,184, G>A. VCF-style: chr9-133657184-G-A. GRCh37 (hg19) VCF-style: chr9-136522306-G-A.
Identifiers: ClinVar variation 2064678 (VCV002064678.29), dbSNP rs370813383, ClinGen allele CA5313645.

ClinVar aggregate classification (germline): Likely benign. Review status: criteria provided, multiple submitters, no conflicts (2 of 4 stars). 3 submissions from 3 submitters: Likely benign (3). Last evaluated 2025-09-02.

Conditions:
Orthostatic hypotension 1 (ORTHYP1). Also called: Orthostatic hypotension 1, due to DBH deficiency; NORADRENALINE DEFICIENCY; NOREPINEPHRINE DEFICIENCY; Dopamine beta-hydroxylase deficiency. Identifiers: Orphanet 230, MedGen C4746777, MONDO:0009123, OMIM 223360.

Allele frequency attached by ClinVar (database versions not stated): gnomAD exomes 0.00001; ExAC 0.00002; gnomAD 0.00004; TOPMed 0.00005; ESP Exome Variant Server 0.00008.
gnomAD v4.1: 28 of 1,614,014 alleles (0.0017%); highest among the groups gnomAD compares: Admixed American, 0.025%; no homozygotes.

Submissions (3):

Labcorp Genetics (formerly Invitae), Labcorp
Classification: Likely benign for Orthostatic hypotension 1. Last evaluated: 2025-09-02. Review status: criteria provided, single submitter. Criteria: Invitae Variant Classification Sherloc (09022015). Collection method: clinical testing. Allele origin: germline.

Blueprint Genetics
Classification: Likely benign. Last evaluated: 2024-04-24. Review status: criteria provided, single submitter. Criteria: ACMG Guidelines, 2015. Collection method: clinical testing. Allele origin: germline.

CeGaT Center for Human Genetics Tuebingen
Classification: Likely benign. Last evaluated: 2023-03-01. Review status: criteria provided, single submitter. Criteria: CeGaT Center For Human Genetics Tuebingen Variant Classification Criteria Version 2. Collection method: clinical testing. Allele origin: germline. Affected: yes. Observed: 1 variant allele.
Comment: DBH: BP4, BP7